The following is an entry in ClinVar:

NM_001734.5(C1S):c.1347C>A (p.Phe449Leu)

Gene: C1S (complement C1s; plus strand). Cytogenetic location: 12p13.31.
Variant type: single nucleotide variant.
Coding change: c.1347C>A on transcript NM_001734.5 (MANE Select); coding-DNA position 1347, C replaced by A.
Protein change: p.Phe449Leu; replaces phenylalanine 449 with leucine.
Molecular consequence: missense variant.
Genome position (GRCh38, 1-based): chr12:7,069,931, C>A. VCF-style: chr12-7069931-C-A. GRCh37 (hg19) VCF-style: chr12-7177235-C-A.
Other names: c.846C>A, p.Phe282Leu (NM_001346850.2); c.1347C>A, p.Phe449Leu (NM_201442.4); short protein forms F282L, F449L.
Identifiers: ClinVar variation 2826807 (VCV002826807.3), dbSNP rs782547981, ClinGen allele CA383703312.

ClinVar aggregate classification (germline): Uncertain significance (1 of 4 stars; one submission).

Submission:

Labcorp Genetics (formerly Invitae), Labcorp
Classification: Uncertain significance. Last evaluated: 2023-03-08. Review status: criteria provided, single submitter. Criteria: Invitae Variant Classification Sherloc (09022015). Collection method: clinical testing. Allele origin: germline.
Comment: This sequence change replaces phenylalanine, which is neutral and non-polar, with leucine, which is neutral and non-polar, at codon 449 of the C1S protein (p.Phe449Leu). This variant is not present in population databases (gnomAD no frequency). This variant has not been reported in the literature in individuals affected with C1S-related conditions. Advanced modeling of protein sequence and biophysical properties (such as structural, functional, and spatial information, amino acid conservation, physicochemical variation, residue mobility, and thermodynamic stability) has been performed at Invitae for this missense variant, however the output from this modeling did not meet the statistical confidence thresholds required to predict the impact of this variant on C1S protein function. In summary, the available evidence is currently insufficient to determine the role of this variant in disease. Therefore, it has been classified as a Variant of Uncertain Significance.